The following is an entry in ClinVar:

NM_015627.3(LDLRAP1):c.604_605delinsCG (p.Ser202Arg)

Gene: LDLRAP1 (low density lipoprotein receptor adaptor protein 1; plus strand). Cytogenetic location: 1p36.11.
Variant type: Indel.
Coding change: c.604_605delinsCG on transcript NM_015627.3 (MANE Select); coding-DNA positions 604 to 605, TC replaced by CG.
Protein change: p.Ser202Arg; replaces serine 202 with arginine.
Molecular consequence: missense variant.
Genome position (GRCh38, 1-based): chr1:25,563,141-25,563,142, TC replaced by CG. VCF-style: chr1-25563141-TC-CG. GRCh37 (hg19) VCF-style: chr1-25889632-TC-CG.
Other names: short protein forms S202R.
Identifiers: ClinVar variation 843164 (VCV000843164.3), dbSNP rs386629678, ClinGen allele CA916080229.

ClinVar aggregate classification (germline): Uncertain significance (1 of 4 stars; one submission).

Conditions:
Hypercholesterolemia, familial, 4 (FHCL4). Also called: HYPERCHOLESTEROLEMIA, AUTOSOMAL RECESSIVE, 1; HYPERCHOLESTEROLEMIA, AUTOSOMAL RECESSIVE, 2. Identifiers: Orphanet 391665, MedGen C1863512, MONDO:0011374, OMIM 603813.

Submission:

Labcorp Genetics (formerly Invitae), Labcorp
Classification: Uncertain significance for Hypercholesterolemia, familial, 4. Last evaluated: 2022-02-24. Review status: criteria provided, single submitter. Criteria: Invitae Variant Classification Sherloc (09022015). Collection method: clinical testing. Allele origin: germline.
Comment: This sequence change replaces serine, which is neutral and polar, with arginine, which is basic and polar, at codon 202 of the LDLRAP1 protein (p.Ser202Arg). The frequency data for this variant in the population databases is considered unreliable, as metrics indicate poor data quality at this position in the gnomAD database. This variant has not been reported in the literature in individuals affected with LDLRAP1-related conditions. ClinVar contains an entry for this variant (Variation ID: 843164). Algorithms developed to predict the effect of missense changes on protein structure and function are either unavailable or do not agree on the potential impact of this missense change (SIFT: "Not Available"; PolyPhen-2: "Benign"; Align-GVGD: "Not Available"). In summary, the available evidence is currently insufficient to determine the role of this variant in disease. Therefore, it has been classified as a Variant of Uncertain Significance.